The following is an entry in ClinVar:

ClinVar aggregate classification (germline): Likely benign (1 of 4 stars; one submission).

Allele frequency attached by ClinVar (database versions not stated): gnomAD exomes below 0.00001.
gnomAD v4.1: 3 of 1,614,222 alleles (0.00019%); highest among the groups gnomAD compares: African/African-American, 0.0013%; no homozygotes.

Submission:

CeGaT Center for Human Genetics Tuebingen
Classification: Likely benign. Last evaluated: 2023-03-01. Review status: criteria provided, single submitter. Criteria: CeGaT Center For Human Genetics Tuebingen Variant Classification Criteria Version 2. Collection method: clinical testing. Allele origin: germline. Affected: yes. Observed: 1 variant allele.
Comment: LTBP1: PM2:Supporting, BP4, BP7

NM_206943.4(LTBP1):c.4629G>A (p.Lys1543=)

Gene: LTBP1 (latent transforming growth factor beta binding protein 1; plus strand). Cytogenetic location: 2p22.3.
Variant type: single nucleotide variant.
Coding change: c.4629G>A on transcript NM_206943.4 (MANE Select); coding-DNA position 4629, G replaced by A.
Protein change: p.Lys1543=; no amino-acid change (lysine 1543 retained).
Molecular consequence: synonymous variant.
Genome position (GRCh38, 1-based): chr2:33,365,421, G>A. VCF-style: chr2-33365421-G-A. GRCh37 (hg19) VCF-style: chr2-33590488-G-A.
Other names: c.3651G>A, p.Lys1217= (NM_000627.4); c.3525G>A, p.Lys1175= (NM_001166264.2, NM_001394909.1); c.3492G>A, p.Lys1164= (NM_001166265.2); c.3366G>A, p.Lys1122= (NM_001166266.2, NM_001394920.1); c.4470G>A, p.Lys1490= (NM_001394905.1); c.3648G>A, p.Lys1216= (NM_001394906.1); c.3564G>A, p.Lys1188= (NM_001394907.1); c.3531G>A, p.Lys1177= (NM_001394908.1); and 13 more.
Identifiers: ClinVar variation 2498816 (VCV002498816.28), dbSNP rs2094973464, ClinGen allele CA425474356.
Genomic context (GRCh38, chr2:33,365,421, plus strand): 5'-AGATTTGTGCTGGGAACATCTGAGTGATGAATACGTGTGTAGCCGGCCTCTTGTGGGCAA[G>A]CAGACAACGTACACTGAGTGCTGCTGTCTGTATGGAGAGGCCTGGGGCATGCAGTGTGCC-3'
Protein context (NP_996826.3, residues 1533-1553): EYVCSRPLVG[Lys1543=]QTTYTECCCL